The following is an entry in ClinVar:

NM_198253.3(TERT):c.1031C>G (p.Ser344Cys)

Gene: TERT (telomerase reverse transcriptase; minus strand). Cytogenetic location: 5p15.33.
Variant type: single nucleotide variant.
Coding change: c.1031C>G on transcript NM_198253.3 (MANE Select); coding-DNA position 1031, C replaced by G.
Protein change: p.Ser344Cys; replaces serine 344 with cysteine.
Molecular consequence: missense variant. On other transcripts: non-coding transcript variant (2).
Genome position (GRCh38, 1-based): chr5:1,293,855, G>C on the plus strand (C>G on the coding strand, the complement: TERT is on the minus strand). VCF-style: chr5-1293855-G-C. GRCh37 (hg19) VCF-style: chr5-1293970-G-C.
Other names: c.1031C>G, p.Ser344Cys (NM_001193376.3); short protein forms S344C.
Identifiers: ClinVar variation 4783691 (VCV004783691.1).

ClinVar aggregate classification (germline): Uncertain significance (1 of 4 stars; one submission).

Conditions:
Dyskeratosis congenita, autosomal dominant 2. Identifiers: MedGen C3151443, MONDO:0013521, OMIM 613989.
Idiopathic Pulmonary Fibrosis. Also called: Idiopathic fibrosing alveolitis, chronic form; idiopathic fibrosing alveolitis. Identifiers: Orphanet 2032, MedGen C1800706, MeSH D054990, MONDO:0800504.

gnomAD v4.1: 4 of 1,546,856 alleles (0.00026%); highest among the groups gnomAD compares: Non-Finnish European, 0.00026%; no homozygotes.

Submission:

Labcorp Genetics (formerly Invitae), Labcorp
Classification: Uncertain significance for Dyskeratosis congenita, autosomal dominant 2; Idiopathic Pulmonary Fibrosis. Last evaluated: 2025-09-23. Review status: criteria provided, single submitter. Criteria: Invitae Variant Classification Sherloc (09022015). Collection method: clinical testing. Allele origin: germline.
Comment: This sequence change replaces serine, which is neutral and polar, with cysteine, which is neutral and slightly polar, at codon 344 of the TERT protein (p.Ser344Cys). This variant is not present in population databases (gnomAD no frequency). This variant has not been reported in the literature in individuals affected with TERT-related conditions. Invitae Evidence Modeling of protein sequence and biophysical properties (such as structural, functional, and spatial information, amino acid conservation, physicochemical variation, residue mobility, and thermodynamic stability) indicates that this missense variant is expected to disrupt TERT protein function with a positive predictive value of 95%. In summary, the available evidence is currently insufficient to determine the role of this variant in disease. Therefore, it has been classified as a Variant of Uncertain Significance.